The following is an entry in ClinVar:

NM_201253.3(CRB1):c.2054G>T (p.Gly685Val)

Gene: CRB1 (crumbs cell polarity complex component 1; plus strand). Cytogenetic location: 1q31.3.
Variant type: single nucleotide variant.
Coding change: c.2054G>T on transcript NM_201253.3 (MANE Select); coding-DNA position 2054, G replaced by T.
Protein change: p.Gly685Val; replaces glycine 685 with valine.
Molecular consequence: missense variant. On other transcripts: non-coding transcript variant (2).
Genome position (GRCh38, 1-based): chr1:197,421,882, G>T. VCF-style: chr1-197421882-G-T. GRCh37 (hg19) VCF-style: chr1-197391012-G-T.
Other names: c.1718G>T, p.Gly573Val (NM_001193640.2); c.1847G>T, p.Gly616Val (NM_001257965.2); c.2054G>T, p.Gly685Val (NM_001257966.2); short protein forms G616V, G685V, G573V.
Identifiers: ClinVar variation 842319 (VCV000842319.11), dbSNP rs748175297, ClinGen allele CA35893990.
Genomic context (GRCh38, chr1:197,421,882, plus strand): 5'-ATGTCAAGGCAGGCTGTGTGAGAAAGGATTGGTGTGAAAGCCAACCTTGTCAAAGCAGAG[G>T]ACGCTGCATCAACTTGTGGCTGAGTTACCAGTGTGACTGCCACAGGCCCTATGAAGGCCC-3'
Protein context (NP_957705.1, residues 675-695): WCESQPCQSR[Gly685Val]RCINLWLSYQ

ClinVar aggregate classification (germline): Likely pathogenic (1 of 4 stars; one submission).

Conditions:
Retinitis pigmentosa 12 (RP12). Also called: RP WITH OR WITHOUT PPRPE; RP WITH OR WITHOUT PRESERVED PARAARTERIOLE RETINAL PIGMENT EPITHELIUM; RETINITIS PIGMENTOSA WITH OR WITHOUT PARAARTERIOLAR PRESERVATION OF RETINAL PIGMENT EPITHELIUM. Identifiers: Orphanet 791, MedGen C1838647, MONDO:0010818, OMIM 600105.
Leber congenital amaurosis 8 (LCA8). Identifiers: Orphanet 65, MedGen C3151202, MONDO:0013453, OMIM 613835.

Allele frequency attached by ClinVar (database versions not stated): TOPMed below 0.00001.

Submission:

Labcorp Genetics (formerly Invitae), Labcorp
Classification: Likely pathogenic for Leber congenital amaurosis 8; Retinitis pigmentosa 12. Last evaluated: 2022-08-10. Review status: criteria provided, single submitter. Criteria: Invitae Variant Classification Sherloc (09022015). Collection method: clinical testing. Allele origin: germline.
Comment: In summary, the currently available evidence indicates that the variant is pathogenic, but additional data are needed to prove that conclusively. Therefore, this variant has been classified as Likely Pathogenic. This variant disrupts the p.Gly685 amino acid residue in CRB1. Other variant(s) that disrupt this residue have been determined to be pathogenic (PMID: 30902645). This suggests that this residue is clinically significant, and that variants that disrupt this residue are likely to be disease-causing. Algorithms developed to predict the effect of sequence changes on RNA splicing suggest that this variant may create or strengthen a splice site. Advanced modeling of protein sequence and biophysical properties (such as structural, functional, and spatial information, amino acid conservation, physicochemical variation, residue mobility, and thermodynamic stability) performed at Invitae indicates that this missense variant is expected to disrupt CRB1 protein function. ClinVar contains an entry for this variant (Variation ID: 842319). This missense change has been observed in individual(s) with clinical features of CRB1-related conditions (Invitae). This variant is not present in population databases (gnomAD no frequency). This sequence change replaces glycine, which is neutral and non-polar, with valine, which is neutral and non-polar, at codon 685 of the CRB1 protein (p.Gly685Val).

Literature cited by the submitters: PubMed 30902645.